The following is an entry in ClinVar:

ClinVar aggregate classification (germline): Uncertain significance (1 of 4 stars; one submission).

Conditions:
Hereditary breast ovarian cancer syndrome. Also called: Hereditary breast and ovarian cancer syndrome; Hereditary breast and/or ovarian cancer syndrome; BRCA1- and BRCA2-Associated Hereditary Breast and Ovarian Cancer; Hereditary breast and ovarian cancer syndrome (HBOC); Hereditary breast and ovarian cancer; Breast and ovarian cancer. Identifiers: Orphanet 145, MedGen C0677776, MeSH D061325, MONDO:0003582. Disease mechanism: loss of function.

Submission:

Labcorp Genetics (formerly Invitae), Labcorp
Classification: Uncertain significance for Hereditary breast ovarian cancer syndrome. Last evaluated: 2023-05-05. Review status: criteria provided, single submitter. Criteria: Invitae Variant Classification Sherloc (09022015). Collection method: clinical testing. Allele origin: germline.
Comment: In summary, the available evidence is currently insufficient to determine the role of this variant in disease. Therefore, it has been classified as a Variant of Uncertain Significance. Advanced modeling of protein sequence and biophysical properties (such as structural, functional, and spatial information, amino acid conservation, physicochemical variation, residue mobility, and thermodynamic stability) performed at Invitae indicates that this missense variant is not expected to disrupt BRCA2 protein function. This variant has not been reported in the literature in individuals affected with BRCA2-related conditions. This variant is not present in population databases (gnomAD no frequency). This sequence change replaces lysine, which is basic and polar, with asparagine, which is neutral and polar, at codon 2640 of the BRCA2 protein (p.Lys2640Asn).

NM_000059.4(BRCA2):c.7920G>C (p.Lys2640Asn)

Gene: BRCA2 (BRCA2 DNA repair associated; plus strand). Cytogenetic location: 13q13.1.
Variant type: single nucleotide variant.
Coding change: c.7920G>C on transcript NM_000059.4 (MANE Select); coding-DNA position 7920, G replaced by C.
Protein change: p.Lys2640Asn; replaces lysine 2640 with asparagine.
Molecular consequence: missense variant. On other transcripts: non-coding transcript variant (1).
Genome position (GRCh38, 1-based): chr13:32,362,637, G>C. VCF-style: chr13-32362637-G-C. GRCh37 (hg19) VCF-style: chr13-32936774-G-C.
Other names: c.7824G>C, p.Lys2608Asn (NM_001406719.1); c.7920G>C, p.Lys2640Asn (NM_001406720.1); c.2988G>C, p.Lys996Asn (NM_001406721.1); c.1503G>C, p.Lys501Asn (NM_001406722.1); short protein forms K2608N, K2640N, K996N, K501N.
Identifiers: ClinVar variation 2862158 (VCV002862158.3), dbSNP rs2137577463, ClinGen allele CA387747184.